The following is an entry in ClinVar:

ClinVar aggregate classification (germline): Uncertain significance (1 of 4 stars; one submission).

Conditions:
Tuberous sclerosis syndrome (TSC). Also called: Tuberous Sclerosis Complex; Tuberous sclerosis. Identifiers: Orphanet 805, MedGen C0041341, MONDO:0001734.

Submission:

All of Us Research Program, National Institutes of Health
Classification: Uncertain significance for Tuberous sclerosis syndrome. Last evaluated: 2023-12-13. Review status: criteria provided, single submitter. Criteria: ACMG Guidelines, 2015. Collection method: clinical testing. Allele origin: germline. Inheritance: Autosomal dominant inheritance. Observed: 1 variant allele, 1 heterozygote.
Comment: This variant causes the deletion of proline at residue 342 of the TSC1 protein. To our knowledge, functional studies have not been reported for this variant. This variant has not been reported in individuals affected with TSC1-related disorders in the literature. This variant has not been identified in the general population by the Genome Aggregation Database (gnomAD). The available evidence is insufficient to determine the role of this variant in disease conclusively. Therefore, this variant is classified as a Variant of Uncertain Significance.

This study involves interpretation of variants in research participants for the purpose of population health screening. Participant phenotype was not available at the time of variant classification. Additional details can be found in publication PMID: 35346344, PMCID: PMC8962531

NM_000368.5(TSC1):c.1022CAC[1] (p.Pro342del)

Gene: TSC1 (TSC complex subunit 1; minus strand). Cytogenetic location: 9q34.13.
Variant type: Microsatellite.
Coding change: c.1022CAC[1] on transcript NM_000368.5 (MANE Select); one copy of the 3-base unit CAC starting at c.1022; the reference has two copies in a row; one copy, 3 bases deleted.
Protein change: p.Pro342del; deletes proline 342.
Molecular consequence: inframe deletion. On other transcripts: non-coding transcript variant (5), 5 prime UTR variant (2).
Genome position (GRCh38, 1-based): chr9:132,911,455-132,911,457, GTG deleted on the plus strand (CAC on the coding strand, the reverse complement: TSC1 is on the minus strand); deleting any 3 consecutive bases within chr9:132,911,455-132,911,462 gives the same sequence; the position shown is the placement nearest the transcript's 3' end. VCF-style (leftmost placement, unchanged base first): chr9-132911454-TGTG-T. GRCh37 (hg19) VCF-style: chr9-135786841-TGTG-T.
Other names: c.1022CAC[1], p.Pro342del (NM_001162426.2, NM_001406592.1, NM_001406593.1 and 16 more transcripts); c.869CAC[1], p.Pro291del (NM_001162427.2, NM_001406610.1, NM_001406611.1 and 2 more transcripts); c.659CAC[1], p.Pro221del (NM_001362177.2, NM_001406621.1, NM_001406622.1 and 10 more transcripts); c.71CAC[1], p.Pro25del (NM_001406626.1, NM_001406627.1, NM_001406628.1); c.-72CAC[1] (NM_001406629.1, NM_001406630.1); short protein forms P221del, P25del, P291del, P342del.
Identifiers: ClinVar variation 3074781 (VCV003074781.1), dbSNP rs2131972961, ClinGen allele CA2720730072.